The following is an entry in ClinVar:

NM_007294.4(BRCA1):c.1657C>T (p.His553Tyr)

Gene: BRCA1 (BRCA1 DNA repair associated; minus strand). Cytogenetic location: 17q21.31.
Variant type: single nucleotide variant.
Coding change: c.1657C>T on transcript NM_007294.4 (MANE Select); coding-DNA position 1657, C replaced by T.
Protein change: p.His553Tyr; replaces histidine 553 with tyrosine.
Molecular consequence: missense variant. On other transcripts: intron variant (137).
Genome position (GRCh38, 1-based): chr17:43,093,874, G>A on the plus strand (C>T on the coding strand, the complement: BRCA1 is on the minus strand). VCF-style: chr17-43093874-G-A. GRCh37 (hg19) VCF-style: chr17-41245891-G-A.
Other names: c.1654C>T, p.His552Tyr (NM_001407860.1, NM_001407861.1, NM_001407587.1 and 22 more transcripts); c.1456C>T, p.His486Tyr (NM_001407862.1); c.1534C>T, p.His512Tyr (NM_001407863.1, NM_001407919.1, NM_001407648.1 and 19 more transcripts); c.1453C>T, p.His485Tyr (NM_001407874.1, NM_001407875.1); c.1447C>T, p.His483Tyr (NM_001407879.1, NM_001407881.1, NM_001407882.1 and 13 more transcripts); c.1444C>T, p.His482Tyr (NM_001407917.1, NM_001407918.1, NM_001407897.1 and 9 more transcripts); c.1657C>T, p.His553Tyr (NM_001407581.1, NM_001407582.1, NM_001407583.1 and 30 more transcripts); c.1648C>T, p.His550Tyr (NM_001407646.1, NM_001407647.1); and 40 more; short protein forms H506Y, H553Y, H426Y, H442Y, H511Y, H552Y, H385Y, H485Y.
Identifiers: ClinVar variation 1330004 (VCV001330004.9), dbSNP rs1176222161, ClinGen allele CA10598720.

ClinVar aggregate classification (germline): Conflicting classifications of pathogenicity. Review status: criteria provided, conflicting classifications (1 of 4 stars). 4 submissions from 4 submitters: Uncertain significance (3); Likely benign (1). Last evaluated 2024-12-06.

Conditions:
Hereditary cancer-predisposing syndrome. Also called: Hereditary Cancer Syndrome; Tumor predisposition; Neoplastic Syndromes, Hereditary; Hereditary neoplastic syndrome. Identifiers: Orphanet 140162, MedGen C0027672, MeSH D009386, MONDO:0015356.
Hereditary breast ovarian cancer syndrome. Also called: Hereditary breast and ovarian cancer syndrome; Hereditary breast and ovarian cancer; Hereditary breast and ovarian cancer syndrome (HBOC); BRCA1- and BRCA2-Associated Hereditary Breast and Ovarian Cancer; Hereditary breast and/or ovarian cancer syndrome; Breast and ovarian cancer. Identifiers: Orphanet 145, MedGen C0677776, MeSH D061325, MONDO:0003582. Disease mechanism: loss of function.

Submissions (4):

Labcorp Genetics (formerly Invitae), Labcorp
Classification: Uncertain significance for Hereditary breast ovarian cancer syndrome. Last evaluated: 2024-12-06. Review status: criteria provided, single submitter. Criteria: Invitae Variant Classification Sherloc (09022015). Collection method: clinical testing. Allele origin: germline.
Comment: This sequence change replaces histidine, which is basic and polar, with tyrosine, which is neutral and polar, at codon 553 of the BRCA1 protein (p.His553Tyr). This variant is not present in population databases (gnomAD no frequency). This variant has not been reported in the literature in individuals affected with BRCA1-related conditions. ClinVar contains an entry for this variant (Variation ID: 1330004). Invitae Evidence Modeling of protein sequence and biophysical properties (such as structural, functional, and spatial information, amino acid conservation, physicochemical variation, residue mobility, and thermodynamic stability) indicates that this missense variant is not expected to disrupt BRCA1 protein function with a negative predictive value of 80%. In summary, the available evidence is currently insufficient to determine the role of this variant in disease. Therefore, it has been classified as a Variant of Uncertain Significance.

University of Washington Department of Laboratory Medicine, University of Washington
Classification: Likely benign for Hereditary cancer-predisposing syndrome. Last evaluated: 2023-03-23. Review status: criteria provided, single submitter. Criteria: Dines et al. (Genet Med. 2020). Collection method: curation. Allele origin: germline.
Comment: Missense variant in a coldspot region where missense variants are very unlikely to be pathogenic (PMID:31911673).

BRCA1 coldspot (exon 11 using historical exon numbering). Reclassification based on statistical prior probability

Ambry Genetics
Classification: Uncertain significance for Hereditary cancer-predisposing syndrome. Last evaluated: 2021-11-19. Review status: criteria provided, single submitter. Criteria: Ambry Variant Classification Scheme 2023. Collection method: clinical testing. Allele origin: germline.
Comment: The p.H553Y variant (also known as c.1657C>T), located in coding exon 9 of the BRCA1 gene, results from a C to T substitution at nucleotide position 1657. The histidine at codon 553 is replaced by tyrosine, an amino acid with similar properties. This amino acid position is not well conserved in available vertebrate species. In addition, the in silico prediction for this alteration is inconclusive. Since supporting evidence is limited at this time, the clinical significance of this alteration remains unclear.

Quest Diagnostics Nichols Institute San Juan Capistrano
Classification: Uncertain significance. Last evaluated: 2020-10-02. Review status: criteria provided, single submitter. Criteria: Quest Diagnostics criteria. Collection method: clinical testing. Allele origin: unknown.